The following is an entry in ClinVar:

ClinVar aggregate classification (germline): Uncertain significance (1 of 4 stars; one submission).

Conditions:
Fibrous dysplasia of jaw (CRBM). Also called: Cherubism. Identifiers: Orphanet 184, MedGen C0008029, MONDO:0007315, OMIM 118400.

Submission:

Labcorp Genetics (formerly Invitae), Labcorp
Classification: Uncertain significance for Fibrous dysplasia of jaw. Last evaluated: 2022-05-11. Review status: criteria provided, single submitter. Criteria: Invitae Variant Classification Sherloc (09022015). Collection method: clinical testing. Allele origin: germline.
Comment: In summary, the available evidence is currently insufficient to determine the role of this variant in disease. Therefore, it has been classified as a Variant of Uncertain Significance. ClinVar contains an entry for this variant (Variation ID: 1055523). This variant has not been reported in the literature in individuals affected with SH3BP2-related conditions. This variant is not present in population databases (gnomAD no frequency). This sequence change creates a premature translational stop signal (p.Ser422Phefs*7) in the SH3BP2 gene. It is expected to result in an absent or disrupted protein product. However, the current clinical and genetic evidence is not sufficient to establish whether loss-of-function variants in SH3BP2 cause disease.

NM_001122681.2(SH3BP2):c.1264_1265del (p.Ser422fs)

Gene: SH3BP2 (SH3 domain binding protein 2; plus strand). Cytogenetic location: 4p16.3.
Variant type: Microsatellite.
Coding change: c.1264_1265del on transcript NM_001122681.2 (MANE Select); coding-DNA positions 1264 to 1265, 2 bases deleted (AG; older notation c.1264_1265delAG).
Protein change: p.Ser422fs; shifts the reading frame from serine 422.
Molecular consequence: frameshift variant.
Genome position (GRCh38, 1-based): chr4:2,831,593-2,831,594, AG deleted; deleting any 2 consecutive bases within chr4:2,831,591-2,831,594 gives the same sequence; the c. name uses the placement nearest the transcript's 3' end. VCF-style (leftmost placement, unchanged base first): chr4-2831590-CAG-C. GRCh37 (hg19) VCF-style: chr4-2833317-CAG-C.
Other names: c.1348_1349del, p.Ser450fs (NM_001145855.2); c.1435_1436del, p.Ser479fs (NM_001145856.2); c.1264_1265del, p.Ser422fs (NM_003023.4); short protein forms S422fs, S450fs, S479fs.
Identifiers: ClinVar variation 1055523 (VCV001055523.7), dbSNP rs1724988286, ClinGen allele CA2497061927.